The following is an entry in ClinVar:

ClinVar aggregate classification (germline): Uncertain significance (1 of 4 stars; one submission).

gnomAD v4.1: 2 of 1,613,364 alleles (0.00012%); highest among the groups gnomAD compares: South Asian, 0.0022%; no homozygotes.

Submission:

Labcorp Genetics (formerly Invitae), Labcorp
Classification: Uncertain significance. Last evaluated: 2025-06-27. Review status: criteria provided, single submitter. Criteria: Invitae Variant Classification Sherloc (09022015). Collection method: clinical testing. Allele origin: germline.
Comment: This sequence change replaces glutamine, which is neutral and polar, with histidine, which is basic and polar, at codon 3161 of the DNAH9 protein (p.Gln3161His). This variant is present in population databases (no rsID available, gnomAD 0.007%). This variant has not been reported in the literature in individuals affected with DNAH9-related conditions. Invitae Evidence Modeling of protein sequence and biophysical properties (such as structural, functional, and spatial information, amino acid conservation, physicochemical variation, residue mobility, and thermodynamic stability) has been performed for this missense variant. However, the output from this modeling did not meet the statistical confidence thresholds required to predict the impact of this variant on DNAH9 protein function. In summary, the available evidence is currently insufficient to determine the role of this variant in disease. Therefore, it has been classified as a Variant of Uncertain Significance.

NM_001372.4(DNAH9):c.9483G>T (p.Gln3161His)

Gene: DNAH9 (dynein axonemal heavy chain 9; plus strand). Cytogenetic location: 17p12.
Variant type: single nucleotide variant.
Coding change: c.9483G>T on transcript NM_001372.4 (MANE Select); coding-DNA position 9483, G replaced by T.
Protein change: p.Gln3161His; replaces glutamine 3161 with histidine.
Molecular consequence: missense variant.
Genome position (GRCh38, 1-based): chr17:11,834,874, G>T. VCF-style: chr17-11834874-G-T. GRCh37 (hg19) VCF-style: chr17-11738191-G-T.
Other names: short protein forms Q3161H.
Identifiers: ClinVar variation 4782143 (VCV004782143.1).
Genomic context (GRCh38, chr17:11,834,874, plus strand): 5'-GAAGCAGAAGGACTGTGAGGAGGACCTGGCAAAGGCTGAGCCAGCACTCACAGCAGCGCA[G>T]GCAGCTCTCAACACCCTGAACAAGGTAGGAGGACTGTCTGCCATACCTGCTCATCCCTCA-3'
Protein context (NP_001363.2, residues 3151-3171): AKAEPALTAA[Gln3161His]AALNTLNKTN